The following is an entry in ClinVar:

NM_000081.4(LYST):c.10248C>G (p.His3416Gln)

Gene: LYST (lysosomal trafficking regulator; minus strand). Cytogenetic location: 1q42.3.
Variant type: single nucleotide variant.
Coding change: c.10248C>G on transcript NM_000081.4 (MANE Select); coding-DNA position 10248, C replaced by G.
Protein change: p.His3416Gln; replaces histidine 3416 with glutamine.
Molecular consequence: missense variant.
Genome position (GRCh38, 1-based): chr1:235,702,873, G>C on the plus strand (C>G on the coding strand, the complement: LYST is on the minus strand). VCF-style: chr1-235702873-G-C. GRCh37 (hg19) VCF-style: chr1-235866173-G-C.
Other names: c.10248C>G, p.His3416Gln (NM_001301365.1); short protein forms H3416Q.
Identifiers: ClinVar variation 1429919 (VCV001429919.5), dbSNP rs752246731, ClinGen allele CA1465412.

ClinVar aggregate classification (germline): Uncertain significance (1 of 4 stars; one submission).

Conditions:
Chédiak-Higashi syndrome (CHS). Also called: Chediak-Higashi Syndrome. Identifiers: Orphanet 167, MedGen C0007965, MONDO:0008963, OMIM 214500.

Allele frequency attached by ClinVar (database versions not stated): ExAC 0.00002; gnomAD 0.00003; TOPMed 0.00004.
gnomAD v4.1: 15 of 1,614,102 alleles (0.00093%); highest among the groups gnomAD compares: Admixed American, 0.012%; no homozygotes.

Submission:

Labcorp Genetics (formerly Invitae), Labcorp
Classification: Uncertain significance for Chédiak-Higashi syndrome. Last evaluated: 2025-09-01. Review status: criteria provided, single submitter. Criteria: Invitae Variant Classification Sherloc (09022015). Collection method: clinical testing. Allele origin: germline.
Comment: This sequence change replaces histidine, which is basic and polar, with glutamine, which is neutral and polar, at codon 3416 of the LYST protein (p.His3416Gln). This variant is present in population databases (rs752246731, gnomAD 0.01%). This variant has not been reported in the literature in individuals affected with LYST-related conditions. ClinVar contains an entry for this variant (Variation ID: 1429919). Invitae Evidence Modeling of protein sequence and biophysical properties (such as structural, functional, and spatial information, amino acid conservation, physicochemical variation, residue mobility, and thermodynamic stability) indicates that this missense variant is not expected to disrupt LYST protein function with a negative predictive value of 80%. In summary, the available evidence is currently insufficient to determine the role of this variant in disease. Therefore, it has been classified as a Variant of Uncertain Significance.